The following is an entry in ClinVar:

ClinVar aggregate classification (germline): Uncertain significance (1 of 4 stars; one submission).

Allele frequency attached by ClinVar (database versions not stated): gnomAD exomes below 0.00001; ExAC 0.00001; TOPMed 0.00001.
gnomAD v4.1: 6 of 1,614,184 alleles (0.00037%); highest among the groups gnomAD compares: Admixed American, 0.0067%; no homozygotes.

Submission:

GeneDx
Classification: Uncertain significance. Last evaluated: 2022-04-21. Review status: criteria provided, single submitter. Criteria: GeneDx Variant Classification Process June 2021. Collection method: clinical testing. Allele origin: germline. Affected: yes.
Comment: In silico analysis supports that this missense variant does not alter protein structure/function; Has not been previously published as pathogenic or benign to our knowledge

NM_000552.5(VWF):c.7592A>G (p.Asn2531Ser)

Gene: VWF (von Willebrand factor; minus strand). Cytogenetic location: 12p13.31.
Variant type: single nucleotide variant.
Coding change: c.7592A>G on transcript NM_000552.5 (MANE Select); coding-DNA position 7592, A replaced by G.
Protein change: p.Asn2531Ser; replaces asparagine 2531 with serine.
Molecular consequence: missense variant.
Genome position (GRCh38, 1-based): chr12:5,969,348, T>C on the plus strand (A>G on the coding strand, the complement: VWF is on the minus strand). VCF-style: chr12-5969348-T-C. GRCh37 (hg19) VCF-style: chr12-6078514-T-C.
Other names: short protein forms N2531S.
Identifiers: ClinVar variation 1712076 (VCV001712076.2), dbSNP rs757011174, ClinGen allele CA6401607.